The following is an entry in ClinVar:

NM_006912.6(RIT1):c.41G>A (p.Ser14Asn)

Gene: RIT1 (Ras like without CAAX 1; minus strand). Cytogenetic location: 1q22.
Variant type: single nucleotide variant.
Coding change: c.41G>A on transcript NM_006912.6 (MANE Select); coding-DNA position 41, G replaced by A.
Protein change: p.Ser14Asn; replaces serine 14 with asparagine.
Molecular consequence: missense variant. On other transcripts: intron variant (1).
Genome position (GRCh38, 1-based): chr1:155,910,721, C>T on the plus strand (G>A on the coding strand, the complement: RIT1 is on the minus strand). VCF-style: chr1-155910721-C-T. GRCh37 (hg19) VCF-style: chr1-155880512-C-T.
Other names: c.92G>A, p.Ser31Asn (NM_001256821.2); c.-2-215G>A (NM_001256820.2); short protein forms S31N, S14N.
Identifiers: ClinVar variation 1738645 (VCV001738645.2), dbSNP rs1673577435, ClinGen allele CA342776417.
Genomic context (GRCh38, chr1:155,910,721, plus strand): 5'-TTCCCTACACCACCAGCACCCAGCATCACTAGTTTGTACTCCCGTGAGAGCCCAGCGGGG[C>T]TGCTACAGCAGCTACCAACTGGGCGAGTTCCAGAATCCATTGTCCTCTTGGGGCCTTCCT-3'
Protein context (NP_008843.1, residues 4-24): GTRPVGSCCS[Ser14Asn]PAGLSREYKL

ClinVar aggregate classification (germline): Uncertain significance (1 of 4 stars; one submission).

Conditions:
Cardiovascular phenotype. Identifiers: MedGen CN230736.

Allele frequency attached by ClinVar (database versions not stated): TOPMed 0.00001.

Submission:

Ambry Genetics
Classification: Uncertain significance for Cardiovascular phenotype. Last evaluated: 2022-07-06. Review status: criteria provided, single submitter. Criteria: Ambry Variant Classification Scheme 2023. Collection method: clinical testing. Allele origin: germline.
Comment: The p.S14N variant (also known as c.41G>A), located in coding exon 1 of the RIT1 gene, results from a G to A substitution at nucleotide position 41. The serine at codon 14 is replaced by asparagine, an amino acid with highly similar properties. This amino acid position is conserved. In addition, this alteration is predicted to be tolerated by in silico analysis. Since supporting evidence is limited at this time, the clinical significance of this alteration remains unclear.